The following is an entry in ClinVar:

NM_001365276.2(TNXB):c.1066_1078del (p.Arg356fs)

Gene: TNXB (tenascin XB; minus strand). Cytogenetic location: 6p21.33.
Variant type: Deletion.
Coding change: c.1066_1078del on transcript NM_001365276.2 (MANE Select); coding-DNA positions 1066 to 1078, 13 bases deleted (CGCTGCGTGTGCT).
Protein change: p.Arg356fs; shifts the reading frame from arginine 356.
Molecular consequence: frameshift variant.
Genome position (GRCh38, 1-based): chr6:32,096,775-32,096,787, AGCACACGCAGCG deleted on the plus strand (CGCTGCGTGTGCT on the coding strand, the reverse complement: TNXB is on the minus strand). VCF-style (leftmost placement, unchanged base first): chr6-32096774-CAGCACACGCAGCG-C. GRCh37 (hg19) VCF-style: chr6-32064551-CAGCACACGCAGCG-C.
Other names: c.1066_1078del, p.Arg356fs (NM_001428335.1, NM_019105.8); short protein forms R356fs.
Identifiers: ClinVar variation 4855100 (VCV004855100.2).

ClinVar aggregate classification (germline): Pathogenic/Likely pathogenic. Review status: criteria provided, multiple submitters, no conflicts (2 of 4 stars). 2 submissions from 2 submitters: Pathogenic (1); Likely pathogenic (1). Last evaluated 2026-01-23.

Conditions:
Ehlers-Danlos syndrome due to tenascin-X deficiency (EDSCLL1). Also called: EDS DUE TO TNX DEFICIENCY; TNX DEFICIENCY; TNXB-Related Classical-Like Ehlers-Danlos Syndrome; EHLERS-DANLOS SYNDROME, CLASSIC-LIKE; Ehlers-Danlos syndrome, classic-like, 1. Identifiers: Orphanet 230839, MedGen C1848029, MONDO:0011670, OMIM 606408.

Submissions (2):

3billion
Classification: Likely pathogenic for Ehlers-Danlos syndrome due to tenascin-X deficiency. Last evaluated: 2026-01-23. Review status: criteria provided, single submitter. Criteria: ACMG Guidelines, 2015. Collection method: clinical testing. Allele origin: germline. Affected: yes.
Comment: The variant is observed at an extremely low frequency in the gnomAD v4.1.0 dataset (total allele frequency: <0.001%). Predicted Consequence/Location: Frameshift: predicted to result in a loss or disruption of normal protein function through nonsense-mediated decay (NMD) or protein truncation. Multiple pathogenic variants are reported downstream of the variant. Therefore, this variant is classified as Likely pathogenic according to the recommendation of ACMG/AMP guideline.

Myriad Genetics, Inc.
Classification: Pathogenic for Ehlers-Danlos syndrome due to tenascin-X deficiency. Last evaluated: 2025-11-04. Review status: criteria provided, single submitter. Criteria: Myriad Autosomal Dominant, Autosomal Recessive and X-Linked Classification Criteria (2023). Collection method: clinical testing. Allele origin: unknown.
Comment: NM_019105.6(TNXB):c.1066_1078del13(R356Gfs*211) is expected to be pathogenic in the context of classical-like Ehlers-Danlos syndrome, TNXB-related. This variant is predicted to lead to an abnormal or absent protein product due to the creation of a premature termination codon in TNXB, a gene where loss-of-function variants are known to be pathogenic. Please note: this variant was assessed in the context of healthy population screening.